The following is an entry in ClinVar:

NM_007254.4(PNKP):c.243G>A (p.Pro81=)

Gene: PNKP (polynucleotide kinase 3'-phosphatase; minus strand). Cytogenetic location: 19q13.33.
Variant type: single nucleotide variant.
Coding change: c.243G>A on transcript NM_007254.4 (MANE Select); coding-DNA position 243, G replaced by A.
Protein change: p.Pro81=; no amino-acid change (proline 81 retained).
Molecular consequence: synonymous variant.
Genome position (GRCh38, 1-based): chr19:49,865,382, C>T on the plus strand (G>A on the coding strand, the complement: PNKP is on the minus strand). VCF-style: chr19-49865382-C-T. GRCh37 (hg19) VCF-style: chr19-50368639-C-T.
Identifiers: ClinVar variation 379057 (VCV000379057.3), dbSNP rs1057520480, ClinGen allele CA16609011.

ClinVar aggregate classification (germline): Likely benign. Review status: criteria provided, multiple submitters, no conflicts (2 of 4 stars). 2 submissions from 2 submitters: Likely benign (2). Last evaluated 2024-11-03.

Conditions:
Developmental and epileptic encephalopathy, 12 (DEE12). Identifiers: MedGen C3150988, MONDO:0013389, OMIM 613722.

Allele frequency attached by ClinVar (database versions not stated): TOPMed 0.00001.
gnomAD v4.1: 3 of 1,612,896 alleles (0.00019%); highest among the groups gnomAD compares: African/African-American, 0.0013%; no homozygotes.

Submissions (2):

Labcorp Genetics (formerly Invitae), Labcorp
Classification: Likely benign for Developmental and epileptic encephalopathy, 12. Last evaluated: 2024-11-03. Review status: criteria provided, single submitter. Criteria: Invitae Variant Classification Sherloc (09022015). Collection method: clinical testing. Allele origin: germline.

GeneDx
Classification: Likely benign. Last evaluated: 2016-04-05. Review status: criteria provided, single submitter. Criteria: GeneDx Variant Classification (06012015). Collection method: clinical testing. Allele origin: germline. Affected: yes.
Comment: This variant is considered likely benign or benign based on one or more of the following criteria: it is a conservative change, it occurs at a poorly conserved position in the protein, it is predicted to be benign by multiple in silico algorithms, and/or has population frequency not consistent with disease.